The following is an entry in ClinVar:

ClinVar aggregate classification (germline): Uncertain significance (1 of 4 stars; one submission).

Conditions:
Congenital primary aphakia. Also called: Anterior segment dysgenesis 2, multiple subtypes; ANTERIOR SEGMENT DYSGENESIS 2. Identifiers: Orphanet 83461, MedGen C1853230, MONDO:0012456, OMIM 610256.
Anterior segment dysgenesis. Also called: Ocular anterior segment dysgenesis. Identifiers: Orphanet 88632, MedGen C1862839, MONDO:0019503, HP:0007700.

Submission:

Labcorp Genetics (formerly Invitae), Labcorp
Classification: Uncertain significance for Anterior segment dysgenesis; Congenital primary aphakia. Last evaluated: 2025-07-13. Review status: criteria provided, single submitter. Criteria: Invitae Variant Classification Sherloc (09022015). Collection method: clinical testing. Allele origin: germline.
Comment: This sequence change replaces glycine, which is neutral and non-polar, with glutamic acid, which is acidic and polar, at codon 38 of the FOXE3 protein (p.Gly38Glu). This variant is present in population databases (no rsID available, gnomAD 0.006%). This variant has not been reported in the literature in individuals affected with FOXE3-related conditions. ClinVar contains an entry for this variant (Variation ID: 3749135). An algorithm developed to predict the effect of missense changes on protein structure and function (PolyPhen-2) suggests that this variant is likely to be disruptive. In summary, the available evidence is currently insufficient to determine the role of this variant in disease. Therefore, it has been classified as a Variant of Uncertain Significance.

NM_012186.3(FOXE3):c.113G>A (p.Gly38Glu)

Genes: FOXE3 (forkhead box E3; plus strand), LINC01389 (long independently transcribed non-coding RNA 1389; minus strand). Cytogenetic location: 1p33.
Variant type: single nucleotide variant.
Coding change: c.113G>A on transcript NM_012186.3 (MANE Select); coding-DNA position 113, G replaced by A.
Protein change: p.Gly38Glu; replaces glycine 38 with glutamic acid.
Molecular consequence: missense variant.
Genome position (GRCh38, 1-based): chr1:47,416,428, G>A. VCF-style: chr1-47416428-G-A. GRCh37 (hg19) VCF-style: chr1-47882100-G-A.
Other names: short protein forms G38E.
Identifiers: ClinVar variation 3749135 (VCV003749135.2).